The following is an entry in ClinVar:

ClinVar aggregate classification (germline): Uncertain significance (1 of 4 stars; one submission).

Conditions:
Dilated cardiomyopathy 1JJ (CMD1JJ). Identifiers: Orphanet 154, MedGen C3808935, MONDO:0014095, OMIM 615235.

Submission:

Labcorp Genetics (formerly Invitae), Labcorp
Classification: Uncertain significance for Dilated cardiomyopathy 1JJ. Last evaluated: 2019-05-10. Review status: criteria provided, single submitter. Criteria: Invitae Variant Classification Sherloc (09022015). Collection method: clinical testing. Allele origin: germline.
Comment: In summary, the available evidence is currently insufficient to determine the role of this variant in disease. Therefore, it has been classified as a Variant of Uncertain Significance. The current clinical and genetic evidence is not sufficient to establish whether loss-of-function variants in LAMA4 cause disease. This variant has not been reported in the literature in individuals with LAMA4-related conditions. This variant is not present in population databases (ExAC no frequency). This sequence change creates a premature translational stop signal (p.His1449Leufs*8) in the LAMA4 gene. It is expected to result in an absent or disrupted protein product.

NM_001105206.3(LAMA4):c.4365_4366del (p.His1456fs)

Gene: LAMA4 (laminin subunit alpha 4; minus strand). Cytogenetic location: 6q21.
Variant type: Microsatellite.
Coding change: c.4365_4366del on transcript NM_001105206.3 (MANE Select); coding-DNA positions 4365 to 4366, 2 bases deleted (TC; older notation c.4365_4366delTC).
Protein change: p.His1456fs; shifts the reading frame from histidine 1456.
Molecular consequence: frameshift variant.
Genome position (GRCh38, 1-based): chr6:112,122,123-112,122,124, GA deleted on the plus strand (TC on the coding strand, the reverse complement: LAMA4 is on the minus strand); deleting any 2 consecutive bases within chr6:112,122,123-112,122,127 gives the same sequence; the c. name uses the placement nearest the transcript's 3' end. VCF-style (leftmost placement, unchanged base first): chr6-112122122-TGA-T. GRCh37 (hg19) VCF-style: chr6-112443325-TGA-T.
Other names: c.4344_4345del, p.His1449fs (NM_001105207.3, NM_002290.5); short protein forms H1456fs, H1449fs.
Identifiers: ClinVar variation 943755 (VCV000943755.7), dbSNP rs1778397204, ClinGen allele CA1655223588.